The following is an entry in ClinVar:

NM_001128840.3(CACNA1D):c.2751+2T>C

Gene: CACNA1D (calcium voltage-gated channel subunit alpha1 D; plus strand). Cytogenetic location: 3p21.1.
Variant type: single nucleotide variant.
Coding change: c.2751+2T>C on transcript NM_001128840.3 (MANE Select); the canonical splice donor site of the intron after coding-DNA position 2751, T replaced by C.
Molecular consequence: splice donor variant.
Genome position (GRCh38, 1-based): chr3:53,735,505, T>C. VCF-style: chr3-53735505-T-C. GRCh37 (hg19) VCF-style: chr3-53769532-T-C.
Other names: c.2751+2T>C (NM_001128839.3); c.2811+2T>C (NM_000720.4).
Identifiers: ClinVar variation 1944801 (VCV001944801.6), dbSNP rs892073962, ClinGen allele CA74855713.

ClinVar aggregate classification (germline): Uncertain significance. Review status: criteria provided, multiple submitters, no conflicts (2 of 4 stars). 2 submissions from 2 submitters: Uncertain significance (2). Last evaluated 2023-03-29.

Submissions (2):

GeneDx
Classification: Uncertain significance. Last evaluated: 2023-03-29. Review status: criteria provided, single submitter. Criteria: GeneDx Variant Classification Process June 2021. Collection method: clinical testing. Allele origin: germline. Affected: yes.
Comment: Not observed at significant frequency in large population cohorts (gnomAD); In silico analysis supports that this variant does not alter splicing; Has not been previously published as pathogenic or benign to our knowledge

Labcorp Genetics (formerly Invitae), Labcorp
Classification: Uncertain significance. Last evaluated: 2022-07-23. Review status: criteria provided, single submitter. Criteria: Invitae Variant Classification Sherloc (09022015). Collection method: clinical testing. Allele origin: germline.
Comment: This sequence change affects a donor splice site in intron 21 of the CACNA1D gene. It is expected to disrupt RNA splicing. Variants that disrupt the donor or acceptor splice site typically lead to a loss of protein function (PMID: 16199547), however the current clinical and genetic evidence is not sufficient to establish whether loss-of-function variants in CACNA1D cause disease. This variant is not present in population databases (gnomAD no frequency). This variant has not been reported in the literature in individuals affected with CACNA1D-related conditions. In summary, the available evidence is currently insufficient to determine the role of this variant in disease. Therefore, it has been classified as a Variant of Uncertain Significance.

Literature cited by the submitters: PubMed 16199547 (cited by Labcorp Genetics (formerly Invitae), Labcorp).